The following is an entry in ClinVar:

ClinVar aggregate classification (germline): Likely benign. Review status: criteria provided, multiple submitters, no conflicts (2 of 4 stars). 3 submissions from 3 submitters: Likely benign (3). Last evaluated 2021-07-14.

Conditions:
Familial acute necrotizing encephalopathy (IIAE3). Also called: ENCEPHALOPATHY, ACUTE, INFECTION-INDUCED, SUSCEPTIBILITY TO, 3; Susceptibility to Acute Necrotizing Encephalopathy 1. Identifiers: Orphanet 88619, MedGen C2675556, MONDO:0011953, OMIM 608033.

Allele frequency attached by ClinVar (database versions not stated): 1000 Genomes Project 30x 0.00078; 1000 Genomes Project 0.00100; gnomAD exomes 0.00282; TOPMed 0.00296; gnomAD 0.00322 and 0.00331; ESP Exome Variant Server 0.00324.
gnomAD v4.1: 6,895 of 1,582,444 alleles (0.44%); highest among the groups gnomAD compares: Non-Finnish European, 0.55%; 19 homozygotes.

Submissions (3):

Fulgent Genetics
Classification: Likely benign for Familial acute necrotizing encephalopathy. Last evaluated: 2021-07-14. Review status: criteria provided, single submitter. Criteria: ACMG Guidelines, 2015. Collection method: clinical testing. Allele origin: unknown.

GeneDx
Classification: Likely benign. Last evaluated: 2018-02-15. Review status: criteria provided, single submitter. Criteria: GeneDx Variant Classification (06012015). Collection method: clinical testing. Allele origin: germline. Affected: yes.
Comment: This variant is considered likely benign or benign based on one or more of the following criteria: it is a conservative change, it occurs at a poorly conserved position in the protein, it is predicted to be benign by multiple in silico algorithms, and/or has population frequency not consistent with disease.

Breakthrough Genomics
Classification: Likely benign. Review status: criteria provided, single submitter. Criteria: ACMG Guidelines, 2015. Collection method: not provided. Allele origin: germline. Inheritance: Autosomal dominant inheritance. Affected: yes.

NM_006267.5(RANBP2):c.-41G>T

Gene: RANBP2 (RAN binding protein 2; plus strand). Cytogenetic location: 2q13.
Variant type: single nucleotide variant.
Coding change: c.-41G>T on transcript NM_006267.5 (MANE Select); 41 bases upstream of the start codon, G replaced by T.
Molecular consequence: 5 prime UTR variant.
Genome position (GRCh38, 1-based): chr2:108,719,566, G>T. VCF-style: chr2-108719566-G-T. GRCh37 (hg19) VCF-style: chr2-109336022-G-T.
Identifiers: ClinVar variation 382095 (VCV000382095.3), dbSNP rs372373398, ClinGen allele CA1821850.